The following is an entry in ClinVar:

NM_003072.5(SMARCA4):c.368C>T (p.Pro123Leu)

Gene: SMARCA4 (SWI/SNF related BAF chromatin remodeling complex subunit ATPase 4; plus strand). Cytogenetic location: 19p13.2.
Variant type: single nucleotide variant.
Coding change: c.368C>T on transcript NM_003072.5 (MANE Select); coding-DNA position 368, C replaced by T.
Protein change: p.Pro123Leu; replaces proline 123 with leucine.
Molecular consequence: missense variant. On other transcripts: non-coding transcript variant (1).
Genome position (GRCh38, 1-based): chr19:10,986,201, C>T. VCF-style: chr19-10986201-C-T. GRCh37 (hg19) VCF-style: chr19-11096877-C-T.
Other names: c.368C>T, p.Pro123Leu (NM_001128844.3, NM_001128845.2, NM_001128846.2 and 6 more transcripts); short protein forms P123L.
Identifiers: ClinVar variation 3446035 (VCV003446035.1).

ClinVar aggregate classification (germline): Uncertain significance (1 of 4 stars; one submission).

Conditions:
Hereditary cancer-predisposing syndrome. Also called: Tumor predisposition; Neoplastic Syndromes, Hereditary; Hereditary neoplastic syndrome; Hereditary Cancer Syndrome. Identifiers: Orphanet 140162, MedGen C0027672, MeSH D009386, MONDO:0015356.

gnomAD v4.1: 1 of 1,613,868 alleles (0.000062%); highest among the groups gnomAD compares: Non-Finnish European, 0.000085%; no homozygotes.

Submission:

Ambry Genetics
Classification: Uncertain significance for Hereditary cancer-predisposing syndrome. Last evaluated: 2024-12-06. Review status: criteria provided, single submitter. Criteria: Ambry Variant Classification Scheme 2023. Collection method: clinical testing. Allele origin: germline.
Comment: The p.P123L variant (also known as c.368C>T), located in coding exon 3 of the SMARCA4 gene, results from a C to T substitution at nucleotide position 368. The proline at codon 123 is replaced by leucine, an amino acid with similar properties. This amino acid position is conserved. In addition, the in silico prediction for this alteration is inconclusive. Based on the available evidence, the clinical significance of this variant remains unclear.